The following is an entry in ClinVar:

NM_012179.4(FBXO7):c.1145-8C>T

Gene: FBXO7 (F-box protein 7; plus strand). Cytogenetic location: 22q12.3.
Variant type: single nucleotide variant.
Coding change: c.1145-8C>T on transcript NM_012179.4 (MANE Select); 8 bases into the intron before coding-DNA position 1145, C replaced by T.
Molecular consequence: intron variant.
Genome position (GRCh38, 1-based): chr22:32,495,485, C>T. VCF-style: chr22-32495485-C-T. GRCh37 (hg19) VCF-style: chr22-32891472-C-T.
Other names: c.803-8C>T (NM_001257990.2); c.908-8C>T (NM_001033024.2).
Identifiers: ClinVar variation 1137746 (VCV001137746.11), dbSNP rs751528878, ClinGen allele CA10201668.

ClinVar aggregate classification (germline): Conflicting classifications of pathogenicity. Review status: criteria provided, conflicting classifications (1 of 4 stars). 2 submissions from 2 submitters: Uncertain significance (1); Likely benign (1). Last evaluated 2026-04-01.

Conditions:
Parkinsonian-pyramidal syndrome. Also called: PARKINSON DISEASE 15, AUTOSOMAL RECESSIVE EARLY-ONSET; PARKINSON DISEASE 15, AUTOSOMAL RECESSIVE; PALLIDOPYRAMIDAL SYNDROME. Identifiers: Orphanet 171695, MedGen C1850100, MONDO:0009830, OMIM 260300.

Allele frequency attached by ClinVar (database versions not stated): gnomAD exomes below 0.00001; TOPMed below 0.00001; ExAC 0.00001; gnomAD 0.00001.
gnomAD v4.1: 4 of 1,567,252 alleles (0.00026%); no homozygotes.

Submissions (2):

CeGaT Center for Human Genetics Tuebingen
Classification: Uncertain significance. Last evaluated: 2026-04-01. Review status: criteria provided, single submitter. Criteria: CeGaT Center For Human Genetics Tuebingen Variant Classification Criteria Version 2. Collection method: clinical testing. Allele origin: germline. Affected: yes. Observed: 1 variant allele.
Comment: FBXO7: PM2, BP4

Labcorp Genetics (formerly Invitae), Labcorp
Classification: Likely benign for Parkinsonian-pyramidal syndrome. Last evaluated: 2023-06-09. Review status: criteria provided, single submitter. Criteria: Invitae Variant Classification Sherloc (09022015). Collection method: clinical testing. Allele origin: germline.